The following is an entry in ClinVar:

ClinVar aggregate classification (germline): Likely benign. Review status: criteria provided, multiple submitters, no conflicts (2 of 4 stars). 4 submissions from 4 submitters: Likely benign (4). Last evaluated 2026-01-14.

Conditions:
Hereditary cancer-predisposing syndrome. Also called: Hereditary neoplastic syndrome; Tumor predisposition; Neoplastic Syndromes, Hereditary; Hereditary Cancer Syndrome. Identifiers: Orphanet 140162, MedGen C0027672, MeSH D009386, MONDO:0015356.
Hereditary diffuse gastric adenocarcinoma (HDGC). Also called: DIFFUSE GASTRIC AND LOBULAR BREAST CANCER SYNDROME. Identifiers: Orphanet 26106, MedGen C1708349, MONDO:0007648, OMIM 137215.

Allele frequency attached by ClinVar (database versions not stated): gnomAD 0.00001; TOPMed 0.00003; gnomAD exomes 0.00004.
gnomAD v4.1: 50 of 1,507,978 alleles (0.0033%); highest among the groups gnomAD compares: Non-Finnish European, 0.0042%; no homozygotes.

Submissions (4):

Labcorp Genetics (formerly Invitae), Labcorp
Classification: Likely benign for Hereditary diffuse gastric adenocarcinoma. Last evaluated: 2026-01-14. Review status: criteria provided, single submitter. Criteria: Invitae Variant Classification Sherloc (09022015). Collection method: clinical testing. Allele origin: germline.

Center for Genomic Medicine, Rigshospitalet, Copenhagen University Hospital
Classification: Likely benign. Last evaluated: 2025-03-04. Review status: criteria provided, single submitter. Criteria: ACMG Guidelines, 2015. Collection method: clinical testing. Allele origin: germline.

GeneDx
Classification: Likely benign. Last evaluated: 2017-06-20. Review status: criteria provided, single submitter. Criteria: GeneDx Variant Classification (06012015). Collection method: clinical testing. Allele origin: germline. Affected: yes.
Comment: This variant is considered likely benign or benign based on one or more of the following criteria: it is a conservative change, it occurs at a poorly conserved position in the protein, it is predicted to be benign by multiple in silico algorithms, and/or has population frequency not consistent with disease.

Color Diagnostics, LLC DBA Color Health
Classification: Likely benign for Hereditary cancer-predisposing syndrome. Last evaluated: 2015-11-02. Review status: criteria provided, single submitter. Criteria: ACMG Guidelines, 2015. Collection method: clinical testing. Allele origin: germline.

NM_004360.5(CDH1):c.163+20G>A

Gene: CDH1 (cadherin 1; plus strand). Cytogenetic location: 16q22.1.
Variant type: single nucleotide variant.
Coding change: c.163+20G>A on transcript NM_004360.5 (MANE Select); 20 bases into the intron after coding-DNA position 163, G replaced by A.
Molecular consequence: intron variant.
Genome position (GRCh38, 1-based): chr16:68,738,431, G>A. VCF-style: chr16-68738431-G-A. GRCh37 (hg19) VCF-style: chr16-68772334-G-A.
Other names: c.163+20G>A (LRG_301t1, NM_001317184.2); c.-1453+20G>A (NM_001317185.2); c.-1657+20G>A (NM_001317186.2).
Identifiers: ClinVar variation 380247 (VCV000380247.15), dbSNP rs1057520806, ClinGen allele CA16608228.